The following is an entry in ClinVar:

ClinVar aggregate classification (germline): Likely benign. Review status: criteria provided, multiple submitters, no conflicts (2 of 4 stars). 4 submissions from 4 submitters: Likely benign (4). Last evaluated 2026-04-09.

Conditions:
Inborn genetic diseases. Identifiers: MedGen C0950123, MeSH D030342.
SOX6-related disorder. Also called: SOX6-related condition.

Allele frequency attached by ClinVar (database versions not stated): gnomAD exomes 0.00005; gnomAD 0.00009; TOPMed 0.00011; ExAC 0.00012.
gnomAD v4.1: 81 of 1,613,766 alleles (0.005%); highest among the groups gnomAD compares: Admixed American, 0.13%; no homozygotes.

Submissions (4):

PreventionGenetics, part of Exact Sciences
Classification: Likely benign for SOX6-related condition. Last evaluated: 2026-04-09. Review status: criteria provided, single submitter. Criteria: ACMG Guidelines, 2015. Collection method: clinical testing. Allele origin: germline.
Comment: This variant is classified as likely benign based on ACMG/AMP sequence variant interpretation guidelines (Richards et al. 2015 PMID: 25741868, with internal and published modifications).

Labcorp Genetics (formerly Invitae), Labcorp
Classification: Likely benign. Last evaluated: 2026-01-05. Review status: criteria provided, single submitter. Criteria: Invitae Variant Classification Sherloc (09022015). Collection method: clinical testing. Allele origin: germline.

CeGaT Center for Human Genetics Tuebingen
Classification: Likely benign. Last evaluated: 2026-01-01. Review status: criteria provided, single submitter. Criteria: CeGaT Center For Human Genetics Tuebingen Variant Classification Criteria Version 2. Collection method: clinical testing. Allele origin: germline. Affected: yes. Observed: 1 variant allele.
Comment: SOX6: BS1

Ambry Genetics
Classification: Likely benign for Inborn genetic diseases. Last evaluated: 2022-03-31. Review status: criteria provided, single submitter. Criteria: Ambry Variant Classification Scheme 2023. Collection method: clinical testing. Allele origin: germline.

NM_001367873.1(SOX6):c.1222A>G (p.Arg408Gly)

Gene: SOX6 (SRY-box transcription factor 6; minus strand). Cytogenetic location: 11p15.2.
Variant type: single nucleotide variant.
Coding change: c.1222A>G on transcript NM_001367873.1 (MANE Select); coding-DNA position 1222, A replaced by G.
Protein change: p.Arg408Gly; replaces arginine 408 with glycine.
Molecular consequence: missense variant.
Genome position (GRCh38, 1-based): chr11:16,055,781, T>C on the plus strand (A>G on the coding strand, the complement: SOX6 is on the minus strand). VCF-style: chr11-16055781-T-C. GRCh37 (hg19) VCF-style: chr11-16077327-T-C.
Other names: c.1099A>G, p.Arg367Gly (NM_001145811.2, NM_001367872.1, NM_017508.3); c.1222A>G, p.Arg408Gly (NM_001145819.2, NM_033326.3); c.1261A>G (NM_001145819.1); short protein forms R408G, R367G.
Identifiers: ClinVar variation 2057036 (VCV002057036.10), dbSNP rs760221774, ClinGen allele CA5898195.